The following is an entry in ClinVar:

NM_206933.4(USH2A):c.5678C>A (p.Ser1893Ter)

Genes: USH2A (usherin; minus strand), USH2A-AS2 (USH2A antisense RNA 2; plus strand). Cytogenetic location: 1q41.
Variant type: single nucleotide variant.
Coding change: c.5678C>A on transcript NM_206933.4 (MANE Select); coding-DNA position 5678, C replaced by A.
Protein change: p.Ser1893Ter; replaces serine 1893 with a stop codon.
Molecular consequence: nonsense.
Genome position (GRCh38, 1-based): chr1:216,073,195, G>T on the plus strand (C>A on the coding strand, the complement: USH2A is on the minus strand). VCF-style: chr1-216073195-G-T. GRCh37 (hg19) VCF-style: chr1-216246537-G-T.
Other names: short protein forms S1893*.
Identifiers: ClinVar variation 1993416 (VCV001993416.4), dbSNP rs2031620246, ClinGen allele CA344854437.

ClinVar aggregate classification (germline): Pathogenic (1 of 4 stars; one submission).

Submission:

Labcorp Genetics (formerly Invitae), Labcorp
Classification: Pathogenic. Last evaluated: 2022-05-12. Review status: criteria provided, single submitter. Criteria: Invitae Variant Classification Sherloc (09022015). Collection method: clinical testing. Allele origin: germline.
Comment: For these reasons, this variant has been classified as Pathogenic. This variant has not been reported in the literature in individuals affected with USH2A-related conditions. This variant is not present in population databases (gnomAD no frequency). This sequence change creates a premature translational stop signal (p.Ser1893*) in the USH2A gene. It is expected to result in an absent or disrupted protein product. Loss-of-function variants in USH2A are known to be pathogenic (PMID: 10729113, 10909849, 20507924, 25649381).

Literature cited by the submitters: PubMed 10729113; PubMed 10909849; PubMed 20507924; PubMed 25649381.